The following is an entry in ClinVar:

NM_001369.3(DNAH5):c.11455+1G>T

Gene: DNAH5 (dynein axonemal heavy chain 5; minus strand). Cytogenetic location: 5p15.2.
Variant type: single nucleotide variant.
Coding change: c.11455+1G>T on transcript NM_001369.3 (MANE Select); the canonical splice donor site of the intron after coding-DNA position 11455, G replaced by T.
Molecular consequence: splice donor variant.
Genome position (GRCh38, 1-based): chr5:13,737,251, C>A on the plus strand (G>T on the coding strand, the complement: DNAH5 is on the minus strand). VCF-style: chr5-13737251-C-A. GRCh37 (hg19) VCF-style: chr5-13737360-C-A.
Identifiers: ClinVar variation 2845007 (VCV002845007.3), dbSNP rs2546568726, ClinGen allele CA359225716.

ClinVar aggregate classification (germline): Likely pathogenic (1 of 4 stars; one submission).

Conditions:
Primary ciliary dyskinesia. Also called: Ciliary dyskinesia. Identifiers: Orphanet 244, MedGen C0008780, MONDO:0016575, HP:0012265.

Submission:

Labcorp Genetics (formerly Invitae), Labcorp
Classification: Likely pathogenic for Primary ciliary dyskinesia. Last evaluated: 2023-03-11. Review status: criteria provided, single submitter. Criteria: Invitae Variant Classification Sherloc (09022015). Collection method: clinical testing. Allele origin: germline.
Comment: In summary, the currently available evidence indicates that the variant is pathogenic, but additional data are needed to prove that conclusively. Therefore, this variant has been classified as Likely Pathogenic. Algorithms developed to predict the effect of sequence changes on RNA splicing suggest that this variant may disrupt the consensus splice site. This variant has not been reported in the literature in individuals affected with DNAH5-related conditions. This variant is not present in population databases (gnomAD no frequency). This sequence change affects a donor splice site in intron 66 of the DNAH5 gene. It is expected to disrupt RNA splicing. Variants that disrupt the donor or acceptor splice site typically lead to a loss of protein function (PMID: 16199547), and loss-of-function variants in DNAH5 are known to be pathogenic (PMID: 11788826, 16627867).

Literature cited by the submitters: PubMed 16199547; PubMed 11788826; PubMed 16627867.